The following is an entry in ClinVar:

NM_001009944.3(PKD1):c.7517C>T (p.Ala2506Val)

Gene: PKD1 (polycystin 1, transient receptor potential channel interacting; minus strand). Cytogenetic location: 16p13.3.
Variant type: single nucleotide variant.
Coding change: c.7517C>T on transcript NM_001009944.3 (MANE Select); coding-DNA position 7517, C replaced by T.
Protein change: p.Ala2506Val; replaces alanine 2506 with valine.
Molecular consequence: missense variant.
Genome position (GRCh38, 1-based): chr16:2,106,277, G>A on the plus strand (C>T on the coding strand, the complement: PKD1 is on the minus strand). VCF-style: chr16-2106277-G-A. GRCh37 (hg19) VCF-style: chr16-2156278-G-A.
Other names: c.7517C>T, p.Ala2506Val (NM_000296.4); short protein forms A2506V.
Identifiers: ClinVar variation 3213510 (VCV003213510.3), dbSNP rs529669059, ClinGen allele CA7831053.

ClinVar aggregate classification (germline): Uncertain significance. Review status: criteria provided, multiple submitters, no conflicts (2 of 4 stars). 3 submissions from 3 submitters: Uncertain significance (3). Last evaluated 2024-12-23.

Conditions:
Inborn genetic diseases. Identifiers: MedGen C0950123, MeSH D030342.
Polycystic kidney disease, adult type (PKD1). Also called: Polycystic Kidney Disease 1, Autosomal Dominant; Polycystic kidney disease 1; Polycystic kidney disease 1, severe; POLYCYSTIC KIDNEY DISEASE, ADULT, TYPE I; Polycystic Kidney, Autosomal Dominant; POLYCYSTIC KIDNEY DISEASE 1 WITH OR WITHOUT POLYCYSTIC LIVER DISEASE. Identifiers: MedGen C3149841, MONDO:0008263, OMIM 173900.
PKD1-related disorder. Also called: PKD1-related condition.

Allele frequency attached by ClinVar (database versions not stated): gnomAD 0.00001; TOPMed 0.00002; ExAC 0.00005.
gnomAD v4.1: 20 of 1,609,980 alleles (0.0012%); highest among the groups gnomAD compares: Admixed American, 0.025%; no homozygotes.

Submissions (3):

PreventionGenetics, part of Exact Sciences
Classification: Uncertain significance for PKD1-related condition. Last evaluated: 2024-12-23. Review status: criteria provided, single submitter. Criteria: ACMG Guidelines, 2015. Collection method: clinical testing. Allele origin: germline.
Comment: The PKD1 c.7517C>T variant is predicted to result in the amino acid substitution p.Ala2506Val. To our knowledge, this variant has not been reported in the literature. This variant is reported in 0.035% of alleles in individuals of Latino descent in gnomAD. Although we suspect that this variant may be benign, at this time, the clinical significance of this variant is uncertain due to the absence of conclusive functional and genetic evidence.

Fulgent Genetics
Classification: Uncertain significance for Polycystic kidney disease, adult type. Last evaluated: 2024-02-22. Review status: criteria provided, single submitter. Criteria: ACMG Guidelines, 2015. Collection method: clinical testing. Allele origin: germline.

Ambry Genetics
Classification: Uncertain significance for Inborn genetic diseases. Last evaluated: 2022-01-04. Review status: criteria provided, single submitter. Criteria: Ambry Variant Classification Scheme 2023. Collection method: clinical testing. Allele origin: germline.